The following is an entry in ClinVar:

NM_014795.4(ZEB2):c.2806del (p.Ala936fs)

Gene: ZEB2 (zinc finger E-box binding homeobox 2; minus strand). Cytogenetic location: 2q22.3.
Variant type: Deletion.
Coding change: c.2806del on transcript NM_014795.4 (MANE Select); coding-DNA position 2806, one base deleted (G; older notation c.2806delG).
Protein change: p.Ala936fs; shifts the reading frame from alanine 936.
Molecular consequence: frameshift variant.
Genome position (GRCh38, 1-based): chr2:144,398,381, C deleted on the plus strand (G on the coding strand, the reverse complement: ZEB2 is on the minus strand); the first of 2 consecutive C bases (chr2:144,398,381-144,398,382); deleting either gives the same sequence. VCF-style (leftmost placement, unchanged base first): chr2-144398380-GC-G. GRCh37 (hg19) VCF-style: chr2-145155947-GC-G.
Other names: c.2734del, p.Ala912fs (NM_001171653.2); short protein forms A936fs, A912fs.
Identifiers: ClinVar variation 534632 (VCV000534632.8), dbSNP rs1553961487, ClinGen allele CA658795858.

ClinVar aggregate classification (germline): Pathogenic (1 of 4 stars; one submission).

Conditions:
Mowat-Wilson syndrome (MOWS). Also called: Classic Mowat-Wilson Syndrome. Identifiers: Orphanet 2152, MedGen C1856113, MONDO:0009341, OMIM 235730.

Submission:

Labcorp Genetics (formerly Invitae), Labcorp
Classification: Pathogenic for Mowat-Wilson syndrome. Last evaluated: 2019-07-03. Review status: criteria provided, single submitter. Criteria: Invitae Variant Classification Sherloc (09022015). Collection method: clinical testing. Allele origin: germline.
Comment: Loss-of-function variants in ZEB2 are known to be pathogenic (PMID: 16053902). This variant has not been reported in the literature in individuals with ZEB2-related conditions. ClinVar contains an entry for this variant (Variation ID: 534632). This variant is not present in population databases (ExAC no frequency). This sequence change creates a premature translational stop signal (p.Ala936Profs*41) in the ZEB2 gene. It is expected to result in an absent or disrupted protein product. For these reasons, this variant has been classified as Pathogenic.

Literature cited by the submitters: PubMed 16053902.